The following is an entry in ClinVar:

NM_002878.4(RAD51D):c.614T>C (p.Val205Ala)

Genes: RAD51L3-RFFL (RAD51L3-RFFL readthrough; minus strand), RAD51D (RAD51 paralog D; minus strand). Cytogenetic location: 17q12.
Variant type: single nucleotide variant.
Coding change: c.614T>C on transcript NM_002878.4 (MANE Select); coding-DNA position 614, T replaced by C.
Protein change: p.Val205Ala; replaces valine 205 with alanine.
Molecular consequence: missense variant. On other transcripts: non-coding transcript variant (3).
Genome position (GRCh38, 1-based): chr17:35,103,507, A>G on the plus strand (T>C on the coding strand, the complement: RAD51D is on the minus strand). VCF-style: chr17-35103507-A-G. GRCh37 (hg19) VCF-style: chr17-33430526-A-G.
Other names: c.674T>C, p.Val225Ala (NM_001142571.2); c.278T>C, p.Val93Ala (NM_133629.3); short protein forms V205A, V225A, V93A.
Identifiers: ClinVar variation 141310 (VCV000141310.4), dbSNP rs587781649, ClinGen allele CA165076.

ClinVar aggregate classification (germline): Uncertain significance (1 of 4 stars; one submission).

Conditions:
Hereditary cancer-predisposing syndrome. Also called: Neoplastic Syndromes, Hereditary; Tumor predisposition; Hereditary Cancer Syndrome; Hereditary neoplastic syndrome. Identifiers: Orphanet 140162, MedGen C0027672, MeSH D009386, MONDO:0015356.

Submission:

Ambry Genetics
Classification: Uncertain significance for Hereditary cancer-predisposing syndrome. Last evaluated: 2025-09-08. Review status: criteria provided, single submitter. Criteria: Ambry Variant Classification Scheme 2023. Collection method: clinical testing. Allele origin: germline.
Comment: The p.V205A variant (also known as c.614T>C), located in coding exon 7 of the RAD51D gene, results from a T to C substitution at nucleotide position 614. The valine at codon 205 is replaced by alanine, an amino acid with similar properties. This amino acid position is highly conserved in available vertebrate species. In addition, this alteration is predicted to be deleterious by in silico analysis. Based on the available evidence, the clinical significance of this variant remains unclear.